The following is an entry in ClinVar:

NM_006420.3(ARFGEF2):c.1043C>T (p.Ser348Leu)

Gene: ARFGEF2 (ARF guanine nucleotide exchange factor 2; plus strand). Cytogenetic location: 20q13.13.
Variant type: single nucleotide variant.
Coding change: c.1043C>T on transcript NM_006420.3 (MANE Select); coding-DNA position 1043, C replaced by T.
Protein change: p.Ser348Leu; replaces serine 348 with leucine.
Molecular consequence: missense variant.
Genome position (GRCh38, 1-based): chr20:48,966,007, C>T. VCF-style: chr20-48966007-C-T. GRCh37 (hg19) VCF-style: chr20-47582544-C-T.
Other names: c.1040C>T, p.Ser347Leu (NM_001410846.1); short protein forms S348L, S347L.
Identifiers: ClinVar variation 2040028 (VCV002040028.4), dbSNP rs1195662727, ClinGen allele CA409324971.

ClinVar aggregate classification (germline): Uncertain significance (1 of 4 stars; one submission).

Allele frequency attached by ClinVar (database versions not stated): gnomAD exomes 0.00001; gnomAD 0.00002; TOPMed 0.00002.

Submission:

Labcorp Genetics (formerly Invitae), Labcorp
Classification: Uncertain significance. Last evaluated: 2025-08-04. Review status: criteria provided, single submitter. Criteria: Invitae Variant Classification Sherloc (09022015). Collection method: clinical testing. Allele origin: germline.
Comment: This sequence change replaces serine, which is neutral and polar, with leucine, which is neutral and non-polar, at codon 348 of the ARFGEF2 protein (p.Ser348Leu). This variant is present in population databases (no rsID available, gnomAD 0.003%). This variant has not been reported in the literature in individuals affected with ARFGEF2-related conditions. ClinVar contains an entry for this variant (Variation ID: 2040028). An algorithm developed to predict the effect of missense changes on protein structure and function (PolyPhen-2) suggests that this variant is likely to be tolerated. In summary, the available evidence is currently insufficient to determine the role of this variant in disease. Therefore, it has been classified as a Variant of Uncertain Significance.